The following is an entry in ClinVar:

ClinVar aggregate classification (germline): Likely pathogenic (1 of 4 stars; one submission).

Conditions:
Autosomal recessive limb-girdle muscular dystrophy type 2J (LGMDR10). Also called: MUSCULAR DYSTROPHY, LIMB-GIRDLE, AUTOSOMAL RECESSIVE 10; Limb-girdle muscular dystrophy, type 2J. Identifiers: Orphanet 140922, MedGen C1837342, MONDO:0012127, OMIM 608807.

Submission:

3billion
Classification: Likely pathogenic for Autosomal recessive limb-girdle muscular dystrophy type 2J. Last evaluated: 2025-11-28. Review status: criteria provided, single submitter. Criteria: ACMG Guidelines, 2015. Collection method: clinical testing. Allele origin: germline. Affected: yes.
Comment: The variant is not observed in the gnomAD v4.1.0 dataset. Predicted Consequence/Location: Stop-gained (nonsense): predicted to result in a loss or disruption of normal protein function through nonsense-mediated decay (NMD) or protein truncation. Multiple pathogenic variants are reported downstream of the variant. Therefore, this variant is classified as Likely pathogenic according to the recommendation of ACMG/AMP guideline.

NM_001267550.2(TTN):c.38797G>T (p.Glu12933Ter)

Gene: TTN (titin; minus strand). Cytogenetic location: 2q31.2.
Variant type: single nucleotide variant.
Coding change: c.38797G>T on transcript NM_001267550.2 (MANE Select); coding-DNA position 38797, G replaced by T.
Protein change: p.Glu12933Ter; replaces glutamic acid 12933 with a stop codon.
Molecular consequence: nonsense. On other transcripts: intron variant (5).
Genome position (GRCh38, 1-based): chr2:178,653,119, C>A on the plus strand (G>T on the coding strand, the complement: TTN is on the minus strand). VCF-style: chr2-178653119-C-A. GRCh37 (hg19) VCF-style: chr2-179517846-C-A.
Other names: c.13283-10802G>T (NM_003319.4); c.13859-10802G>T (NM_133437.4); c.13658-10802G>T (NM_133432.3); c.31742-578G>T (NM_133378.4); c.34523-578G>T (NM_001256850.1); short protein forms E12933*.
Identifiers: ClinVar variation 4854934 (VCV004854934.1).